The following is an entry in ClinVar:

ClinVar aggregate classification (germline): Likely benign. Review status: criteria provided, multiple submitters, no conflicts (2 of 4 stars). 3 submissions from 3 submitters: Likely benign (3). Last evaluated 2024-05-14.

Conditions:
Familial thoracic aortic aneurysm and aortic dissection (TAAD). Also called: Thoracic aortic aneurysms and dissections. Identifiers: Orphanet 91387, MedGen C4707243, MONDO:0019625.
Aortic aneurysm, familial thoracic 4 (AAT4). Also called: AORTIC ANEURYSM/AORTIC DISSECTION AND PATENT DUCTUS ARTERIOSUS. Identifiers: MedGen C1851504, MONDO:0007568, OMIM 132900.

Allele frequency attached by ClinVar (database versions not stated): gnomAD exomes below 0.00001 and 0.00001; gnomAD 0.00001; TOPMed 0.00001; ExAC 0.00002.
gnomAD v4.1: 7 of 1,613,962 alleles (0.00043%); highest among the groups gnomAD compares: Middle Eastern, 0.016%; no homozygotes.

Submissions (3):

All of Us Research Program, National Institutes of Health
Classification: Likely benign for Familial thoracic aortic aneurysm and aortic dissection. Last evaluated: 2024-05-14. Review status: criteria provided, single submitter. Criteria: ACMG Guidelines, 2015. Collection method: clinical testing. Allele origin: germline. Inheritance: Autosomal dominant inheritance. Observed: 5 variant alleles, 5 heterozygotes.
Comment: This study involves interpretation of variants in research participants for the purpose of population health screening. Participant phenotype was not available at the time of variant classification. Additional details can be found in publication PMID: 35346344, PMCID: PMC8962531

Color Diagnostics, LLC DBA Color Health
Classification: Likely benign for Familial thoracic aortic aneurysm and aortic dissection. Last evaluated: 2024-04-18. Review status: criteria provided, single submitter. Criteria: ACMG Guidelines, 2015. Collection method: clinical testing. Allele origin: germline.

Labcorp Genetics (formerly Invitae), Labcorp
Classification: Likely benign for Aortic aneurysm, familial thoracic 4. Last evaluated: 2024-02-17. Review status: criteria provided, single submitter. Criteria: Invitae Variant Classification Sherloc (09022015). Collection method: clinical testing. Allele origin: germline.

NM_002474.3(MYH11):c.759G>A (p.Thr253=)

Gene: MYH11 (myosin heavy chain 11; minus strand). Cytogenetic location: 16p13.11.
Variant type: single nucleotide variant.
Coding change: c.759G>A on transcript NM_002474.3 (MANE Select); coding-DNA position 759, G replaced by A.
Protein change: p.Thr253=; no amino-acid change (threonine 253 retained).
Molecular consequence: synonymous variant.
Genome position (GRCh38, 1-based): chr16:15,778,811, C>T on the plus strand (G>A on the coding strand, the complement: MYH11 is on the minus strand). VCF-style: chr16-15778811-C-T. GRCh37 (hg19) VCF-style: chr16-15872668-C-T.
Other names: c.780G>A, p.Thr260= (NM_001040113.2, NM_001040114.2); c.759G>A, p.Thr253= (NM_022844.3).
Identifiers: ClinVar variation 1514688 (VCV001514688.10), dbSNP rs777977303, ClinGen allele CA7922827.
Genomic context (GRCh38, chr16:15,778,811, plus strand): 5'-CATTTGGCCCAGGCTCAGGGAAAGGATACAGGTCTCAATGTTGGCTCCCACGATGTAACC[C>T]GTGACGTCGAAGTTGATGCGGATGAATTTGCCCTGCCAACAGGAAAACACAGTTCAGGCT-3'
Protein context (NP_002465.1, residues 243-263): GKFIRINFDV[Thr253=]GYIVGANIET